The following is an entry in ClinVar:

ClinVar aggregate classification (germline): Uncertain significance (1 of 4 stars; one submission).

Submission:

GeneDx
Classification: Uncertain significance. Last evaluated: 2015-12-22. Review status: criteria provided, single submitter. Criteria: GeneDx Variant Classification (06012015). Collection method: clinical testing. Allele origin: germline. Affected: yes.
Comment: The V737D variant in the ADCY5 gene has not been reported previously as a pathogenic variant, noras a benign variant, to our knowledge. The V737D variant was not observed in approximately 6500individuals of European and African American ancestry in the NHLBI Exome Sequencing Project,indicating it is not a common benign variant in these populations. The V737D variant is anon-conservative amino acid substitution, which is likely to impact secondary protein structure asthese residues differ in polarity, charge, size and/or other properties. This substitution occurs at aposition that is conserved across species. In silico analysis is inconsistent in its predictions as towhether or not the variant is damaging to the protein structure/function. Therefore, we interpretV737D as a variant of uncertain significance.

NM_183357.3(ADCY5):c.2210T>A (p.Val737Asp)

Gene: ADCY5 (adenylate cyclase 5; minus strand). Cytogenetic location: 3q21.1.
Variant type: single nucleotide variant.
Coding change: c.2210T>A on transcript NM_183357.3 (MANE Select); coding-DNA position 2210, T replaced by A.
Protein change: p.Val737Asp; replaces valine 737 with aspartic acid.
Molecular consequence: missense variant.
Genome position (GRCh38, 1-based): chr3:123,319,720, A>T on the plus strand (T>A on the coding strand, the complement: ADCY5 is on the minus strand). VCF-style: chr3-123319720-A-T. GRCh37 (hg19) VCF-style: chr3-123038567-A-T.
Other names: c.1160T>A, p.Val387Asp (NM_001199642.1); c.2210T>A, p.Val737Asp (NM_001378259.1); short protein forms V737D, V387D.
Identifiers: ClinVar variation 382270 (VCV000382270.2), dbSNP rs1057521305, ClinGen allele CA16604433.